The following is an entry in ClinVar:

NM_000059.4(BRCA2):c.2833_2834insTT (p.Lys945fs)

Gene: BRCA2 (BRCA2 DNA repair associated; plus strand). Cytogenetic location: 13q13.1.
Variant type: Insertion.
Coding change: c.2833_2834insTT on transcript NM_000059.4 (MANE Select); coding-DNA positions 2833 to 2834, TT inserted.
Protein change: p.Lys945fs; shifts the reading frame from lysine 945.
Molecular consequence: frameshift variant.
Genome position: GRCh38 VCF-style: chr13-32337188-A-ATT. GRCh37 (hg19) VCF-style: chr13-32911325-A-ATT.
Other names: 3061insTT; p.Lys945Ilefs*16; short protein forms K945fs.
Identifiers: ClinVar variation 125995 (VCV000125995.32), dbSNP rs80359355, ClinGen allele CA016538.
Genomic context (GRCh38, chr13:32,337,188, plus strand): 5'-TCTACCATGGTTTTATATGGAGACACAGGTGATAAACAAGCAACCCAAGTGTCAATTAAA[A>ATT]AAGATTTGGTTTATGTTCTTGCAGAGGAGAACAAAAATAGTGTAAAGCAGCATATAAAAA-3'

ClinVar aggregate classification (germline): Pathogenic. Review status: reviewed by expert panel (3 of 4 stars). 11 submissions from 11 submitters: Pathogenic (1). 10 of the submissions do not count toward it. Last evaluated 2016-09-08.

Conditions:
Hereditary cancer-predisposing syndrome. Also called: Hereditary Cancer Syndrome; Tumor predisposition; Neoplastic Syndromes, Hereditary; Hereditary neoplastic syndrome. Identifiers: Orphanet 140162, MedGen C0027672, MeSH D009386, MONDO:0015356.
Hereditary breast ovarian cancer syndrome. Also called: Hereditary breast and ovarian cancer syndrome; Hereditary breast and/or ovarian cancer syndrome; Hereditary breast and ovarian cancer; Hereditary breast and ovarian cancer syndrome (HBOC); Breast and ovarian cancer; BRCA1- and BRCA2-Associated Hereditary Breast and Ovarian Cancer. Identifiers: Orphanet 145, MedGen C0677776, MeSH D061325, MONDO:0003582. Disease mechanism: loss of function.
Breast-ovarian cancer, familial, susceptibility to, 2 (BROVCA2). Also called: BRCA2 Hereditary Breast and Ovarian Cancer. Identifiers: Orphanet 145, MedGen C2675520, MONDO:0012933, OMIM 612555. Disease mechanism: loss of function.
Familial cancer of breast. Also called: BREAST CANCER, FAMILIAL; Hereditary breast cancer; hereditary breast carcinoma. Identifiers: Orphanet 227535, MedGen C0346153, MONDO:0016419, OMIM 114480. Disease mechanism: loss of function.

Submissions (11):

Evidence-based Network for the Interpretation of Germline Mutant Alleles (ENIGMA)
Classification: Pathogenic for Breast-ovarian cancer, familial, susceptibility to, 2. Last evaluated: 2016-09-08. Review status: reviewed by expert panel. Criteria: ENIGMA BRCA1/2 Classification Criteria (2015). Collection method: curation. Allele origin: germline.
Comment: Variant allele predicted to encode a truncated non-functional protein.

GeneDx
Classification: Pathogenic. Last evaluated: 2026-07-28. Review status: criteria provided, single submitter. Criteria: GeneDx Variant Classification Process June 2021. Collection method: clinical testing. Allele origin: germline. Not counted in ClinVar's aggregate classification.
Comment: Frameshift variant predicted to result in protein truncation or nonsense mediated decay in a gene for which loss-of-function is a known mechanism of disease; Truncating variants in this gene are considered pathogenic by a well-established clinical consortium and/or database; Not observed at significant frequency in large population cohorts (gnomAD); Also known as 3061_3062insTT; This variant is associated with the following publications: (PMID: 12228710, 29446198, 31853058, 27535533, 32719484)

Mayo Clinic Laboratories, Mayo Clinic
Classification: Pathogenic. Last evaluated: 2025-09-15. Review status: criteria provided, single submitter. Criteria: ACMG Guidelines, 2015. Collection method: clinical testing. Allele origin: germline. Observed: 1 variant allele. Not counted in ClinVar's aggregate classification.
Comment: PM5_strong, PVS1

Labcorp Genetics (formerly Invitae), Labcorp
Classification: Pathogenic for Hereditary breast ovarian cancer syndrome. Last evaluated: 2025-07-20. Review status: criteria provided, single submitter. Criteria: Invitae Variant Classification Sherloc (09022015). Collection method: clinical testing. Allele origin: germline. Not counted in ClinVar's aggregate classification.
Comment: This sequence change creates a premature translational stop signal (p.Lys945Ilefs*16) in the BRCA2 gene. It is expected to result in an absent or disrupted protein product. Loss-of-function variants in BRCA2 are known to be pathogenic (PMID: 20104584). This variant is not present in population databases (gnomAD no frequency). This premature translational stop signal has been observed in individual(s) with BRCA2-related conditions (PMID: 10923033). ClinVar contains an entry for this variant (Variation ID: 125995). For these reasons, this variant has been classified as Pathogenic.

Ambry Genetics
Classification: Pathogenic for Hereditary cancer-predisposing syndrome. Last evaluated: 2025-05-01. Review status: criteria provided, single submitter. Criteria: Ambry Variant Classification Scheme 2023. Collection method: clinical testing. Allele origin: germline. Not counted in ClinVar's aggregate classification.
Comment: The c.2833_2834insTT pathogenic mutation, located in coding exon 10 of the BRCA2 gene, results from an insertion of two nucleotides at position 2833, causing a translational frameshift with a predicted alternate stop codon (p.K945Ifs*16). .7638delC (p.M2548*) pathogenic mutation in the NF1 gene This alteration is expected to result in loss of function by premature protein truncation or nonsense-mediated mRNA decay. As such, this alteration is interpreted as a disease-causing mutation.

Color Diagnostics, LLC DBA Color Health
Classification: Pathogenic for Hereditary cancer-predisposing syndrome. Last evaluated: 2024-01-22. Review status: criteria provided, single submitter. Criteria: ACMG Guidelines, 2015. Collection method: clinical testing. Allele origin: germline. Not counted in ClinVar's aggregate classification.
Comment: This variant inserts 2 nucleotides in exon 11 of the BRCA2 gene, creating a frameshift and premature translation stop signal. This variant is expected to result in an absent or non-functional protein product. This variant has been reported in families with a history of breast and/or ovarian cancer (PMID: 29446198). This variant has not been identified in the general population by the Genome Aggregation Database (gnomAD). Loss of BRCA2 function is a known mechanism of disease. Based on the available evidence, this variant is classified as Pathogenic.

Women's Health and Genetics/Laboratory Corporation of America, LabCorp
Classification: Pathogenic for Hereditary breast ovarian cancer syndrome. Last evaluated: 2022-10-31. Review status: criteria provided, single submitter. Criteria: LabCorp Variant Classification Summary - May 2015. Collection method: clinical testing. Allele origin: germline. Not counted in ClinVar's aggregate classification.
Comment: Variant summary: BRCA2 c.2833_2834insTT (p.Lys945IlefsX16) results in a premature termination codon, predicted to cause a truncation of the encoded protein or absence of the protein due to nonsense mediated decay, which are commonly known mechanisms for disease. Truncations downstream of this position have been classified as pathogenic by our laboratory. The variant was absent in 250652 control chromosomes. c.2833_2834insTT has been reported in the literature in individuals affected with Hereditary Breast And Ovarian Cancer Syndrome (Rebbeck_2018). To our knowledge, no experimental evidence demonstrating an impact on protein function has been reported. Seven clinical diagnostic laboratories have submitted clinical-significance assessments for this variant to ClinVar after 2014 without evidence for independent evaluation. All laboratories classified the variant as pathogenic. Based on the evidence outlined above, the variant was classified as pathogenic.

Baylor Genetics
Classification: Pathogenic for Familial cancer of breast. Last evaluated: 2022-04-25. Review status: criteria provided, single submitter. Criteria: ACMG Guidelines, 2015. Collection method: clinical testing. Allele origin: unknown. Not counted in ClinVar's aggregate classification.

Quest Diagnostics Nichols Institute San Juan Capistrano
Classification: Pathogenic. Last evaluated: 2020-10-26. Review status: criteria provided, single submitter. Criteria: Quest Diagnostics criteria. Collection method: clinical testing. Allele origin: unknown. Not counted in ClinVar's aggregate classification.
Comment: This frameshift variant causes the premature termination of BRCA2 protein synthesis. To the best of our knowledge, the variant has not been reported in the published literature. This variant has not been reported in large, multi-ethnic general populations. Based on the available information, this variant is classified as pathogenic.

Consortium of Investigators of Modifiers of BRCA1/2 (CIMBA), c/o University of Cambridge
Classification: Pathogenic for Breast-ovarian cancer, familial, susceptibility to, 2. Last evaluated: 2015-10-02. Review status: criteria provided, single submitter. Criteria: CIMBA Mutation Classification guidelines May 2016. Collection method: clinical testing. Allele origin: germline. Not counted in ClinVar's aggregate classification.

Breast Cancer Information Core (BIC) (BRCA2)
Classification: Pathogenic for Breast-ovarian cancer, familial 2. Last evaluated: 2004-02-20. Review status: no assertion criteria provided. Collection method: clinical testing. Allele origin: germline. Affected: yes. Observed: 5 variant alleles. Not counted in ClinVar's aggregate classification.

Literature cited by the submitters: PubMed 29446198 (cited by 3 submitters); PubMed 20104584 (cited by Labcorp Genetics (formerly Invitae), Labcorp); PubMed 10923033 (cited by Labcorp Genetics (formerly Invitae), Labcorp).